The following is an entry in ClinVar:

NM_007294.3(BRCA1):c.135-?_441+?del

Gene: BRCA1 (BRCA1 DNA repair associated; minus strand). Cytogenetic location: 17q21.31.
Variant type: Deletion.
Coding change: c.135-?_441+?del on transcript NM_007294.3.
Other names: Deletion Exons 4-6; c.135-?_441+?del (LRG_292t1).
Identifiers: ClinVar variation 89055 (VCV000089055.4).

ClinVar aggregate classification (germline): Pathogenic. Review status: criteria provided, multiple submitters, no conflicts (2 of 4 stars). 4 submissions from 4 submitters: Pathogenic (4). Last evaluated 2017-01-03.

Conditions:
Hereditary breast ovarian cancer syndrome. Also called: BRCA1- and BRCA2-Associated Hereditary Breast and Ovarian Cancer; Hereditary breast and ovarian cancer syndrome; Hereditary breast and ovarian cancer syndrome (HBOC); Breast and ovarian cancer; Hereditary breast and/or ovarian cancer syndrome; Hereditary breast and ovarian cancer. Identifiers: Orphanet 145, MedGen C0677776, MeSH D061325, MONDO:0003582. Disease mechanism: loss of function.
Breast-ovarian cancer, familial, susceptibility to, 1 (BROVCA1). Also called: BRCA1 Hereditary Breast and Ovarian Cancer; OVARIAN CANCER, SUSCEPTIBILITY TO. Identifiers: Orphanet 145, MedGen C2676676, MONDO:0011450, OMIM 604370. Disease mechanism: loss of function.
Familial cancer of breast. Also called: hereditary breast carcinoma; BREAST CANCER, FAMILIAL; Hereditary breast cancer. Identifiers: Orphanet 227535, MedGen C0346153, MONDO:0016419, OMIM 114480. Disease mechanism: loss of function.

Submissions (4):

Labcorp Genetics (formerly Invitae), Labcorp
Classification: Pathogenic for Hereditary breast ovarian cancer syndrome. Last evaluated: 2017-01-03. Review status: criteria provided, single submitter. Criteria: Invitae Variant Classification Sherloc (09022015). Collection method: clinical testing. Allele origin: germline.
Comment: This variant is a gross deletion of the genomic region encompassing exons 4-6 of the BRCA1 gene. This deletion is expected to create a premature translational stop signal and result in an absent or disrupted protein product. Deletion of exons 4-6 has been reported in individuals and families with breast and/or ovarian cancer (PMID: 18546071, 16715518, 16772120, Invitae database). Deletion of exons 4-6 is also known as deletion of exons 5-7 in the literature. For these reasons, this variant has been classified as Pathogenic.

Consortium of Investigators of Modifiers of BRCA1/2 (CIMBA), c/o University of Cambridge
Classification: Pathogenic for Breast-ovarian cancer, familial, susceptibility to, 1. Last evaluated: 2015-10-02. Review status: criteria provided, single submitter. Criteria: CIMBA Mutation Classification guidelines May 2016. Collection method: clinical testing. Allele origin: germline.

Department of Pathology and Laboratory Medicine, Sinai Health System
Classification: Pathogenic for Hereditary breast ovarian cancer syndrome. Last evaluated: 2013-08-26. Review status: criteria provided, single submitter. Criteria: ACMG Guidelines, 2015. Collection method: clinical testing. Allele origin: germline. Affected: yes. Study: The Canadian Open Genetics Repository (COGR).

GeneDx
Classification: Pathogenic for Familial cancer of breast. Review status: criteria provided, single submitter. Criteria: GeneDx Variant Classification (06012015). Collection method: clinical testing. Allele origin: germline.
Comment: whole or partial BRCA1 and BRCA2 large deletions and duplications have been reported in approximately 6-10% of individuals with BRCA-associated Hereditary Breast and Ovarian Cancer (Judkins 2012)

Literature cited by the submitters: PubMed 18546071 (cited by Department of Pathology and Laboratory Medicine, Sinai Health System); PubMed 20232141 (cited by Department of Pathology and Laboratory Medicine, Sinai Health System); PubMed 18060491 (cited by Department of Pathology and Laboratory Medicine, Sinai Health System); PubMed 16715518 (cited by Department of Pathology and Laboratory Medicine, Sinai Health System); PubMed 16772120 (cited by Department of Pathology and Laboratory Medicine, Sinai Health System).